The following is an entry in ClinVar:

ClinVar aggregate classification (germline): Uncertain significance (1 of 4 stars; one submission).

Submission:

GeneDx
Classification: Uncertain significance. Last evaluated: 2024-08-10. Review status: criteria provided, single submitter. Criteria: GeneDx Variant Classification Process June 2021. Collection method: clinical testing. Allele origin: germline. Affected: yes.
Comment: Frameshift variant predicted to result in protein truncation or nonsense mediated decay in a gene for which loss of function is a known mechanism of disease; Has not been previously published as pathogenic or benign to our knowledge

NM_007059.4(KPTN):c.273dup (p.Lys92fs)

Gene: KPTN (kaptin, actin binding protein; minus strand). Cytogenetic location: 19q13.32.
Variant type: Duplication.
Coding change: c.273dup on transcript NM_007059.4 (MANE Select); coding-DNA position 273, one base duplicated (C; older notation c.273dupC).
Protein change: p.Lys92fs; shifts the reading frame from lysine 92.
Molecular consequence: frameshift variant. On other transcripts: non-coding transcript variant (1), intron variant (1).
Genome position (GRCh38, 1-based): chr19:47,483,538, G duplicated on the plus strand (C on the coding strand, the reverse complement: KPTN is on the minus strand); the first of 6 consecutive G bases (chr19:47,483,538-47,483,543); duplicating any one gives the same sequence. VCF-style (leftmost placement, unchanged base first): chr19-47483537-T-TG. GRCh37 (hg19) VCF-style: chr19-47986794-T-TG.
Other names: c.227-323dup (NM_001291296.2); short protein forms K92fs.
Identifiers: ClinVar variation 3731094 (VCV003731094.1).
Genomic context (GRCh38, chr19:47,483,537, plus strand): 5'-GGGAGGTGGAGGGGGCTCTAGGTACCTTGATGAACGTGATCCCCACAACCAGACCCCGCT[T>TG]GGGGGGTGACTTGTTGAAAGTGTCGATGGAGACAATCTCCGCATCCACTGGGAGGGGAGA-3'